The following is an entry in ClinVar:

NM_001844.5(COL2A1):c.2735G>A (p.Gly912Asp)

Gene: COL2A1 (collagen type II alpha 1 chain; minus strand). Cytogenetic location: 12q13.11.
Variant type: single nucleotide variant.
Coding change: c.2735G>A on transcript NM_001844.5 (MANE Select); coding-DNA position 2735, G replaced by A.
Protein change: p.Gly912Asp; replaces glycine 912 with aspartic acid.
Molecular consequence: missense variant.
Genome position (GRCh38, 1-based): chr12:47,978,757, C>T on the plus strand (G>A on the coding strand, the complement: COL2A1 is on the minus strand). VCF-style: chr12-47978757-C-T. GRCh37 (hg19) VCF-style: chr12-48372540-C-T.
Other names: c.2528G>A, p.Gly843Asp (NM_033150.3); short protein forms G843D, G912D.
Identifiers: ClinVar variation 4531410 (VCV004531410.1).
Genomic context (GRCh38, chr12:47,978,757, plus strand): 5'-CGAGCACCTTTGGGACCATCTTTTCCAGAAGGACCAGGGGGACCAGGGGGTCCAGGGTTG[C>T]CCTAGAAGGAGAAAATGCGGGAAGTGAGGACTCATCTCACCCTTCCTCATCCAGGCTGCC-3'
Protein context (NP_001835.3, residues 902-922): AGRVGPPGSN[Gly912Asp]NPGPPGPPGP

ClinVar aggregate classification (germline): Pathogenic (1 of 4 stars; one submission).

Conditions:
Type 2 collagenopathy. Identifiers: Orphanet 93421, MedGen C2931073, MONDO:0022800.

Submission:

Victorian Clinical Genetics Services, Murdoch Childrens Research Institute
Classification: Pathogenic for Type 2 collagenopathy. Last evaluated: 2025-11-06. Review status: criteria provided, single submitter. Criteria: ACMG Guidelines, 2015. Collection method: clinical testing. Allele origin: germline. Affected: yes.
Comment: This variant is classified as Pathogenic. Evidence in support of pathogenic classification: Variant is absent from gnomAD (v2, v3 and v4); This variant has limited previous evidence of pathogenicity in an unrelated individual. This variant has been reported in the literature in a heterozygous state in an individual with spondyloepiphyseal dysplasia congenita (PMID: 26626311); Another missense variant comparable to the one identified in this case has limited previous evidence for pathogenicity. An alternative change, p.(Gly912Ser), has been classified as likely pathogenic by a clinical laboratory in ClinVar. - Variant is located in the well-established Gly-X-Y repeat of the collagen triple helical domain (DECIPHER); Missense variant predicted to be damaging by in silico tool(s) or highly conserved with a major amino acid change; Additional information: Variant is predicted to result in a missense amino acid change from Gly to Asp; This variant is heterozygous; This gene is associated with autosomal dominant disease; No published evidence of segregation with disease has been identified for this variant; No published functional evidence has been identified for this variant; Dominant negative and loss of function are known mechanisms of disease in this gene and are associated with COL2A1-related disorders. Loss of function variants have been reported to cause Stickler syndrome, whereas missense variants with a dominant negative effect on protein function result in spondyloepiphyseal or spondyloepimetaphyseal dysplasia (OMIM, PMIDs: 35052477, 15895462); Variants in this gene are known to have variable expressivity (PMID: 20301479).

Literature cited by the submitters: PubMed 26626311; PubMed 15895462; PubMed 20301479; PubMed 35052477.